The following is an entry in ClinVar:

NM_002528.7(NTHL1):c.91C>T (p.Leu31Phe)

Gene: NTHL1 (nth like DNA glycosylase 1; minus strand). Cytogenetic location: 16p13.3.
Variant type: single nucleotide variant.
Coding change: c.91C>T on transcript NM_002528.7 (MANE Select); coding-DNA position 91, C replaced by T.
Protein change: p.Leu31Phe; replaces leucine 31 with phenylalanine.
Molecular consequence: missense variant. On other transcripts: 5 prime UTR variant (1).
Genome position (GRCh38, 1-based): chr16:2,047,733, G>A on the plus strand (C>T on the coding strand, the complement: NTHL1 is on the minus strand). VCF-style: chr16-2047733-G-A. GRCh37 (hg19) VCF-style: chr16-2097734-G-A.
Other names: c.91C>T, p.Leu31Phe (LRG_1366t1, NM_001318193.2); c.-88C>T (NM_001318194.2); short protein forms L31F.
Identifiers: ClinVar variation 659041 (VCV000659041.13), dbSNP rs1259870849, ClinGen allele CA394298322.

ClinVar aggregate classification (germline): Conflicting classifications of pathogenicity. Review status: criteria provided, conflicting classifications (1 of 4 stars). 4 submissions from 4 submitters: Uncertain significance (3); Likely benign (1). Last evaluated 2026-01-10.

Conditions:
Familial adenomatous polyposis 3. Also called: NTHL1-Related Adenomatous Polyposis and Colorectal Cancer; NTHL1-associated polyposis; NTHL1-related attenuated familial adenomatous polyposis; NTHL1 Tumor Syndrome. Identifiers: Orphanet 220460, Orphanet 454840, MedGen C4225157, MONDO:0014630, OMIM 616415.
Hereditary cancer-predisposing syndrome. Also called: Tumor predisposition; Neoplastic Syndromes, Hereditary; Hereditary Cancer Syndrome; Hereditary neoplastic syndrome. Identifiers: Orphanet 140162, MedGen C0027672, MeSH D009386, MONDO:0015356.

Allele frequency attached by ClinVar (database versions not stated): gnomAD 0.00001; gnomAD exomes 0.00001; TOPMed 0.00001.
gnomAD v4.1: 8 of 1,584,778 alleles (0.0005%); highest among the groups gnomAD compares: African/African-American, 0.0013%; no homozygotes.

Submissions (4):

Labcorp Genetics (formerly Invitae), Labcorp
Classification: Uncertain significance. Last evaluated: 2026-01-10. Review status: criteria provided, single submitter. Criteria: Invitae Variant Classification Sherloc (09022015). Collection method: clinical testing. Allele origin: germline.
Comment: This sequence change replaces leucine, which is neutral and non-polar, with phenylalanine, which is neutral and non-polar, at codon 39 of the NTHL1 protein (p.Leu39Phe). This variant is not present in population databases (gnomAD no frequency). This variant has not been reported in the literature in individuals affected with NTHL1-related conditions. ClinVar contains an entry for this variant (Variation ID: 659041). An algorithm developed to predict the effect of missense changes on protein structure and function (PolyPhen-2) suggests that this variant is likely to be disruptive. In summary, the available evidence is currently insufficient to determine the role of this variant in disease. Therefore, it has been classified as a Variant of Uncertain Significance.

Ambry Genetics
Classification: Likely benign for Hereditary cancer-predisposing syndrome. Last evaluated: 2024-03-27. Review status: criteria provided, single submitter. Criteria: Ambry Variant Classification Scheme 2023. Collection method: clinical testing. Allele origin: germline.

Baylor Genetics
Classification: Uncertain significance for Familial adenomatous polyposis 3. Last evaluated: 2024-01-25. Review status: criteria provided, single submitter. Criteria: ACMG Guidelines, 2015. Collection method: clinical testing. Allele origin: unknown.

Sema4
Classification: Uncertain significance for Hereditary cancer-predisposing syndrome. Last evaluated: 2021-10-19. Review status: criteria provided, single submitter. Criteria: Sema4 Curation Guidelines. Collection method: curation. Allele origin: germline.
Comment: The NTHL1 c.115C>T (p.L39F) variant has not been reported in the literature to our knowledge. This variant was not observed in the large and broad cohorts of the Genome Aggregation Database (PMID: 32461654). This variant has been reported in ClinVar (Variation ID 664729). In silico tools suggest the impact of the variant on protein function is benign, though these predictions have not been confirmed by functional studies. The overall evidence is insufficient to meet ACMG/AMP criteria for classifying it as benign or pathogenic. Based on the current evidence available, this variant is interpreted as a variant of uncertain significance.